The following is an entry in ClinVar:

NM_002637.4(PHKA1):c.1416A>C (p.Arg472Ser)

Gene: PHKA1 (phosphorylase kinase regulatory subunit alpha 1; minus strand). Cytogenetic location: Xq13.1.
Variant type: single nucleotide variant.
Coding change: c.1416A>C on transcript NM_002637.4 (MANE Select); coding-DNA position 1416, A replaced by C.
Protein change: p.Arg472Ser; replaces arginine 472 with serine.
Molecular consequence: missense variant.
Genome position (GRCh38, 1-based): chrX:72,644,405, T>G on the plus strand (A>C on the coding strand, the complement: PHKA1 is on the minus strand). VCF-style: chrX-72644405-T-G. GRCh37 (hg19) VCF-style: chrX-71864255-T-G.
Other names: c.1416A>C, p.Arg472Ser (NM_001122670.2, NM_001172436.2); short protein forms R472S.
Identifiers: ClinVar variation 1706734 (VCV001706734.7), dbSNP rs1556296545, ClinGen allele CA413592594.
Genomic context (GRCh38, chrX:72,644,405, plus strand): 5'-CTAGCCAATCTCCTTACCTAGGCTGGAATAAATGTGGCTGAGAATACGAGCTGGTTGTAC[T>G]CTGATGGGGTATACCTCAGCAATGGTCTCCACGTAAATTCCCTTGTCCTTCAAAATGGTC-3'
Protein context (NP_002628.2, residues 462-482): VETIAEVYPI[Arg472Ser]VQPARILSHI

ClinVar aggregate classification (germline): Uncertain significance. Review status: criteria provided, multiple submitters, no conflicts (2 of 4 stars). 2 submissions from 2 submitters: Uncertain significance (2). Last evaluated 2022-09-26.

Conditions:
Glycogen storage disease IXd (GSD9D). Also called: Muscle Phosphorylase Kinase Deficiency; GSD IXd. Identifiers: Orphanet 715, MedGen C1845151, MONDO:0010362, OMIM 300559.

Allele frequency attached by ClinVar (database versions not stated): gnomAD exomes 0.00001; TOPMed 0.00001.
gnomAD v4.1: 9 of 1,209,050 alleles (0.00074%); highest among the groups gnomAD compares: Non-Finnish European, 0.0009%; no homozygotes.

Submissions (2):

GeneDx
Classification: Uncertain significance. Last evaluated: 2022-09-26. Review status: criteria provided, single submitter. Criteria: GeneDx Variant Classification Process June 2021. Collection method: clinical testing. Allele origin: germline. Affected: yes.
Comment: Not observed at significant frequency in large population cohorts (gnomAD); In silico analysis supports that this missense variant has a deleterious effect on protein structure/function; Has not been previously published as pathogenic or benign to our knowledge

Labcorp Genetics (formerly Invitae), Labcorp
Classification: Uncertain significance for Glycogen storage disease IXd. Last evaluated: 2022-03-05. Review status: criteria provided, single submitter. Criteria: Invitae Variant Classification Sherloc (09022015). Collection method: clinical testing. Allele origin: germline.
Comment: In summary, the available evidence is currently insufficient to determine the role of this variant in disease. Therefore, it has been classified as a Variant of Uncertain Significance. This sequence change replaces arginine, which is basic and polar, with serine, which is neutral and polar, at codon 472 of the PHKA1 protein (p.Arg472Ser). This variant is present in population databases (no rsID available, gnomAD 0.001%). This variant has not been reported in the literature in individuals affected with PHKA1-related conditions. Algorithms developed to predict the effect of missense changes on protein structure and function (SIFT, PolyPhen-2, Align-GVGD) all suggest that this variant is likely to be tolerated.